The following is an entry in ClinVar:

NM_002547.3(OPHN1):c.2244del (p.Cys749fs)

Gene: OPHN1 (oligophrenin 1; minus strand). Cytogenetic location: Xq12.
Variant type: Deletion.
Coding change: c.2244del on transcript NM_002547.3 (MANE Select); coding-DNA position 2244, one base deleted (C; older notation c.2244delC).
Protein change: p.Cys749fs; shifts the reading frame from cysteine 749.
Molecular consequence: frameshift variant.
Genome position (GRCh38, 1-based): chrX:68,053,725, G deleted on the plus strand (C on the coding strand, the reverse complement: OPHN1 is on the minus strand); the first of 3 consecutive G bases (chrX:68,053,725-68,053,727); deleting any one gives the same sequence. VCF-style (leftmost placement, unchanged base first): chrX-68053724-AG-A. GRCh37 (hg19) VCF-style: chrX-67273566-AG-A.
Other names: short protein forms C749fs.
Identifiers: ClinVar variation 3774535 (VCV003774535.1).
Genomic context (GRCh38, chrX:68,053,724, plus strand): 5'-CCGCATTGCCAGCCACAATATCTGGCTTTGGTTCTGGCTTTTGGGGAGTAGCTGCCCGGC[AG>A]GGAGGATCTGGGGGCCTCACTGGGGGGCGGATGATGGTTGGCTTTTCTCCTGGAGGCCGC-3'

ClinVar aggregate classification (germline): Likely pathogenic (1 of 4 stars; one submission).

Conditions:
Intellectual developmental disorder, X-linked, syndromic, Billuart type. Also called: MENTAL RETARDATION, X-LINKED 60; X-linked intellectual disability-cerebellar hypoplasia syndrome. Identifiers: Orphanet 137831, MedGen C1845366, MONDO:0010337, OMIM 300486.

Submission:

Diagnostics Services (NGS), CSIR - Centre For Cellular And Molecular Biology
Classification: Likely pathogenic for Intellectual developmental disorder, X-linked, syndromic, Billuart type. Last evaluated: 2025-03-13. Review status: criteria provided, single submitter. Criteria: ACMG Guidelines, 2015. Collection method: clinical testing. Allele origin: germline. Affected: yes. Observed: 1 variant allele, 1 hemizygote.
Comment: The c.2244del variant is not present in publicly available population databases like 1000 Genomes, EVS, gnomAD, Indian Exome Database or our internal database. The variant has neither been published in the literature for OPHN1-related conditions nor reported to clinical databases like Human genome Mutation Database (HGMD), OMIM, or ClinVar, in any affected individuals. In-silico pathogenicity prediction programs like MutationTaster2021, CADD, Varsome, etc predicted this variant to be likely deleterious however these predictions were not confirmed by any published functional studies. This variant causes frameshift at the 748th position of the original transcript that creates a premature translational stop signal at the altered transcript that may either change the protein length or cause nonsense mediated decay of the mRNA.